The following is an entry in ClinVar:

ClinVar aggregate classification (germline): Uncertain significance (1 of 4 stars; one submission).

Allele frequency attached by ClinVar (database versions not stated): gnomAD exomes below 0.00001; TOPMed below 0.00001.
gnomAD v4.1: 7 of 1,614,190 alleles (0.00043%); highest among the groups gnomAD compares: Non-Finnish European, 0.00051%; 1 homozygote.

Submission:

Women's Health and Genetics/Laboratory Corporation of America, LabCorp
Classification: Uncertain significance. Last evaluated: 2022-12-08. Review status: criteria provided, single submitter. Criteria: LabCorp Variant Classification Summary - May 2015. Collection method: clinical testing. Allele origin: germline.
Comment: Variant summary: AFF3 c.3544G>A (p.Ala1182Thr) results in a non-conservative amino acid change located in the AF4/FMR2, C-terminal homology domain of the encoded protein sequence. Three of five in-silico tools predict a benign effect of the variant on protein function. The variant was absent in 251264 control chromosomes. The available data on variant occurrences in the general population are insufficient to allow any conclusion about variant significance. To our knowledge, no occurrence of c.3544G>A in individuals affected with KINSSHIP Syndrome and no experimental evidence demonstrating its impact on protein function have been reported. No clinical diagnostic laboratories have submitted clinical-significance assessments for this variant to ClinVar after 2014. Based on the evidence outlined above, the variant was classified as uncertain significance.

NM_001386135.1(AFF3):c.3544G>A (p.Ala1182Thr)

Gene: AFF3 (ALF transcription elongation factor 3; minus strand). Cytogenetic location: 2q11.2.
Variant type: single nucleotide variant.
Coding change: c.3544G>A on transcript NM_001386135.1 (MANE Select); coding-DNA position 3544, G replaced by A.
Protein change: p.Ala1182Thr; replaces alanine 1182 with threonine.
Molecular consequence: missense variant.
Genome position (GRCh38, 1-based): chr2:99,554,326, C>T on the plus strand (G>A on the coding strand, the complement: AFF3 is on the minus strand). VCF-style: chr2-99554326-C-T. GRCh37 (hg19) VCF-style: chr2-100170788-C-T.
Other names: c.3619G>A, p.Ala1207Thr (NM_001025108.2); c.3544G>A, p.Ala1182Thr (NM_002285.3); short protein forms A1182T, A1207T.
Identifiers: ClinVar variation 1878250 (VCV001878250.1), dbSNP rs1575330991, ClinGen allele CA347879073.